The following is an entry in ClinVar:

NM_021116.4(ADCY1):c.49G>A (p.Glu17Lys)

Gene: ADCY1 (adenylate cyclase 1; plus strand). Cytogenetic location: 7p12.3.
Variant type: single nucleotide variant.
Coding change: c.49G>A on transcript NM_021116.4 (MANE Select); coding-DNA position 49, G replaced by A.
Protein change: p.Glu17Lys; replaces glutamic acid 17 with lysine.
Molecular consequence: missense variant. On other transcripts: intron variant (1).
Genome position (GRCh38, 1-based): chr7:45,574,592, G>A. VCF-style: chr7-45574592-G-A. GRCh37 (hg19) VCF-style: chr7-45614191-G-A.
Other names: c.-330-297G>A (NM_001281768.2); short protein forms E17K.
Identifiers: ClinVar variation 3000893 (VCV003000893.3), dbSNP rs932221184, ClinGen allele CA158280890.

ClinVar aggregate classification (germline): Uncertain significance (1 of 4 stars; one submission).

Allele frequency attached by ClinVar (database versions not stated): gnomAD exomes below 0.00001; gnomAD 0.00001.
gnomAD v4.1: 5 of 1,068,418 alleles (0.00047%); highest among the groups gnomAD compares: Non-Finnish European, 0.00056%; no homozygotes.

Submission:

Labcorp Genetics (formerly Invitae), Labcorp
Classification: Uncertain significance. Last evaluated: 2023-12-24. Review status: criteria provided, single submitter. Criteria: Invitae Variant Classification Sherloc (09022015). Collection method: clinical testing. Allele origin: germline.
Comment: This sequence change replaces glutamic acid, which is acidic and polar, with lysine, which is basic and polar, at codon 17 of the ADCY1 protein (p.Glu17Lys). The frequency data for this variant in the population databases is considered unreliable, as metrics indicate insufficient coverage at this position in the gnomAD database. This variant has not been reported in the literature in individuals affected with ADCY1-related conditions. Experimental studies and prediction algorithms are not available or were not evaluated, and the functional significance of this variant is currently unknown. In summary, the available evidence is currently insufficient to determine the role of this variant in disease. Therefore, it has been classified as a Variant of Uncertain Significance.